The following is an entry in ClinVar:

ClinVar aggregate classification (germline): Pathogenic (1 of 4 stars; one submission).

Conditions:
Attention deficit hyperactivity disorder (ADHD). Also called: Attention-Deficit/Hyperactivity Disorder. Identifiers: MedGen C1263846, MONDO:0007743, HP:0007018.
Fetal growth restriction (IUGR). Also called: Intrauterine growth restriction; Intrauterine growth retardation; Intra uterine growth retardation. Identifiers: MedGen C0015934, MONDO:0005030, HP:0001511.
Ambiguous genitalia. Identifiers: MedGen C0266362, HP:0000062.
Patent foramen ovale. Identifiers: MedGen C0016522, MONDO:0020439, HP:0001655.
Esodeviation. Identifiers: MedGen C4551734, HP:0020045.
Clinodactyly of the 5th finger. Identifiers: MedGen C1850049, HP:0004209.
Retrognathia. Also called: retrognathism. Identifiers: MedGen C0035353, HP:0000278.
Low-set ears. Identifiers: MedGen C0239234, HP:0000369.

Submission:

Centro de Investigaciones Endocrinológicas “Dr. César Bergadá” (CEDIE), Unidad de Investigacion Traslacional (UIT), Hospital de Niños Dr. Ricardo Gutiérrez
Classification: Pathogenic for Fetal growth restriction; Ambiguous genitalia; Patent foramen ovale; Attention deficit hyperactivity disorder; Esodeviation; Low-set ears; Retrognathia; Clinodactyly of the 5th finger. Last evaluated: 2024-05-31. Review status: criteria provided, single submitter. Criteria: Riggs et al. (Genet Med. 2021). Collection method: clinical testing. Allele origin: unknown. Affected: yes. Observed: 1 heterozygote.
Comment: The detected CNV was reported as a 3q27.1 microdeletion in 10 cases from literature, with the main phenotypes being intrauterine growth restriction, short stature, neurodevelopmental abnormalities, distinctive facial dysmorphisms, and cardiac defects. However, a clear association with urogenital anomalies has not yet been reported. Micropenis, cryptorchidism, and other minor urogenital anomalies have been described, but without comprehensive study or diagnosis (PMID: 35241116; PMID: 23357683). Classification score: 1.45 following the ACMG/ClinGen CNV Guidelines, 2021 (PMID: 33731880).

Literature cited by the submitters: PubMed 35241116.

GRCh38/hg38 3q27.1-27.2(chr3:183020090-185760128)x1

Genes: MAP6D1 (MAP6 domain containing 1; minus strand), SENP2 (SUMO specific peptidase 2; plus strand), POLR2H (RNA polymerase II, I and III subunit H; plus strand), PSMD2 (proteasome 26S subunit ubiquitin receptor, non-ATPase 2; plus strand), MAGEF1 (MAGE family member F1; minus strand) and 158 more. Cytogenetic location: 3q27.1-27.2.
Variant type: copy number loss.
Change: copy number 1 (one copy instead of two) of chr3:183,020,090-185,760,128 (2.74 Mb, GRCh38 coordinates, 1-based), cytogenetic band 3q27.1-27.2.
Other names: arr[GRCh38] 3q27.1q27.2(183020090_185760128)x1.
Identifiers: ClinVar variation 3238952 (VCV003238952.3).